The following is an entry in ClinVar:

ClinVar aggregate classification (germline): Uncertain significance. Review status: criteria provided, multiple submitters, no conflicts (2 of 4 stars). 2 submissions from 2 submitters: Uncertain significance (2). Last evaluated 2025-11-18.

Conditions:
ADAMTS10-related disorder. Also called: ADAMTS10-related condition.

Submissions (2):

PreventionGenetics, part of Exact Sciences
Classification: Uncertain significance for ADAMTS10-related condition. Last evaluated: 2025-11-18. Review status: criteria provided, single submitter. Criteria: ACMG Guidelines, 2015. Collection method: clinical testing. Allele origin: germline.
Comment: The ADAMTS10 c.2158+6_2158+7delAG variant is predicted to result in an intronic deletion. This variant is not predicted to alter splicing based on available splicing prediction software (SpliceAI, Jaganathan et al. 2019. PubMed ID: 30661751). However, the use of computer prediction software is not equivalent to functional evidence. To our knowledge, this variant has not been reported in the literature. This variant is reported in 0.013% of alleles in individuals of European (Non-Finnish) descent in gnomAD. Although we suspect that this variant may be benign, at this time, the clinical significance of this variant is uncertain due to the absence of conclusive functional and genetic evidence.

Labcorp Genetics (formerly Invitae), Labcorp
Classification: Uncertain significance. Last evaluated: 2024-03-20. Review status: criteria provided, single submitter. Criteria: Invitae Variant Classification Sherloc (09022015). Collection method: clinical testing. Allele origin: germline.
Comment: This sequence change falls in intron 18 of the ADAMTS10 gene. It does not directly change the encoded amino acid sequence of the ADAMTS10 protein. It affects a nucleotide within the consensus splice site. This variant is present in population databases (no rsID available, gnomAD 0.01%). This variant has not been reported in the literature in individuals affected with ADAMTS10-related conditions. Variants that disrupt the consensus splice site are a relatively common cause of aberrant splicing (PMID: 17576681, 9536098). Algorithms developed to predict the effect of sequence changes on RNA splicing suggest that this variant is not likely to affect RNA splicing. In summary, the available evidence is currently insufficient to determine the role of this variant in disease. Therefore, it has been classified as a Variant of Uncertain Significance.

Literature cited by the submitters: PubMed 17576681 (cited by Labcorp Genetics (formerly Invitae), Labcorp); PubMed 9536098 (cited by Labcorp Genetics (formerly Invitae), Labcorp).

NM_030957.4(ADAMTS10):c.2158+6_2158+7del

Gene: ADAMTS10 (ADAM metallopeptidase with thrombospondin type 1 motif 10; minus strand). Cytogenetic location: 19p13.2.
Variant type: Microsatellite.
Coding change: c.2158+6_2158+7del on transcript NM_030957.4 (MANE Select); bases 6 to 7 of the intron after coding-DNA position 2158, 2 bases deleted (AG; older notation c.2158+6_2158+7delAG).
Molecular consequence: intron variant.
Genome position (GRCh38, 1-based): chr19:8,589,235-8,589,236, CT deleted on the plus strand (AG on the coding strand, the reverse complement: ADAMTS10 is on the minus strand); deleting any 2 consecutive bases within chr19:8,589,235-8,589,239 gives the same sequence; the c. name uses the placement nearest the transcript's 3' end. VCF-style (leftmost placement, unchanged base first): chr19-8589234-ACT-A. GRCh37 (hg19) VCF-style: chr19-8654118-ACT-A.
Other names: c.619+6_619+7del (NM_001282352.2); c.2158+6_2158+7delAG (NM_030957.3).
Identifiers: ClinVar variation 1470786 (VCV001470786.5), dbSNP rs1239939926, ClinGen allele CA403750415.